The following is an entry in ClinVar:

NM_017671.5(FERMT1):c.7T>C (p.Ser3Pro)

Gene: FERMT1 (FERM domain containing kindlin 1; minus strand). Cytogenetic location: 20p12.3.
Variant type: single nucleotide variant.
Coding change: c.7T>C on transcript NM_017671.5 (MANE Select); coding-DNA position 7, T replaced by C.
Protein change: p.Ser3Pro; replaces serine 3 with proline.
Molecular consequence: missense variant.
Genome position (GRCh38, 1-based): chr20:6,119,548, A>G on the plus strand (T>C on the coding strand, the complement: FERMT1 is on the minus strand). VCF-style: chr20-6119548-A-G. GRCh37 (hg19) VCF-style: chr20-6100195-A-G.
Other names: c.7T>C (NM_017671.4); short protein forms S3P.
Identifiers: ClinVar variation 1495870 (VCV001495870.9), dbSNP rs758985794, ClinGen allele CA9758569.

ClinVar aggregate classification (germline): Uncertain significance. Review status: criteria provided, multiple submitters, no conflicts (2 of 4 stars). 2 submissions from 2 submitters: Uncertain significance (2). Last evaluated 2025-08-09.

Conditions:
Inborn genetic diseases. Identifiers: MedGen C0950123, MeSH D030342.

Allele frequency attached by ClinVar (database versions not stated): gnomAD exomes below 0.00001 and 0.00001; ExAC 0.00003; gnomAD 0.00004 and 0.00005; TOPMed 0.00006.
gnomAD v4.1: 11 of 1,613,900 alleles (0.00068%); highest among the groups gnomAD compares: African/African-American, 0.015%; no homozygotes.

Submissions (2):

Labcorp Genetics (formerly Invitae), Labcorp
Classification: Uncertain significance. Last evaluated: 2025-08-09. Review status: criteria provided, single submitter. Criteria: Invitae Variant Classification Sherloc (09022015). Collection method: clinical testing. Allele origin: germline.
Comment: This sequence change replaces serine, which is neutral and polar, with proline, which is neutral and non-polar, at codon 3 of the FERMT1 protein (p.Ser3Pro). This variant is present in population databases (rs758985794, gnomAD 0.02%). This variant has not been reported in the literature in individuals affected with FERMT1-related conditions. ClinVar contains an entry for this variant (Variation ID: 1495870). An algorithm developed to predict the effect of missense changes on protein structure and function (PolyPhen-2) suggests that this variant is likely to be disruptive. In summary, the available evidence is currently insufficient to determine the role of this variant in disease. Therefore, it has been classified as a Variant of Uncertain Significance.

Ambry Genetics
Classification: Uncertain significance for Inborn genetic diseases. Last evaluated: 2025-05-21. Review status: criteria provided, single submitter. Criteria: Ambry Variant Classification Scheme 2023. Collection method: clinical testing. Allele origin: germline.